The following is an entry in ClinVar:

NM_182746.3(MCM4):c.503G>A (p.Arg168Lys)

Gene: MCM4 (minichromosome maintenance complex component 4; plus strand). Cytogenetic location: 8q11.21.
Variant type: single nucleotide variant.
Coding change: c.503G>A on transcript NM_182746.3 (MANE Select); coding-DNA position 503, G replaced by A.
Protein change: p.Arg168Lys; replaces arginine 168 with lysine.
Molecular consequence: missense variant.
Genome position (GRCh38, 1-based): chr8:47,962,765, G>A. VCF-style: chr8-47962765-G-A. GRCh37 (hg19) VCF-style: chr8-48875325-G-A.
Other names: c.503G>A, p.Arg168Lys (NM_005914.4); short protein forms R168K.
Identifiers: ClinVar variation 3643777 (VCV003643777.2).

ClinVar aggregate classification (germline): Uncertain significance (1 of 4 stars; one submission).

Submission:

Labcorp Genetics (formerly Invitae), Labcorp
Classification: Uncertain significance. Last evaluated: 2024-03-01. Review status: criteria provided, single submitter. Criteria: Invitae Variant Classification Sherloc (09022015). Collection method: clinical testing. Allele origin: germline.
Comment: This sequence change replaces arginine, which is basic and polar, with lysine, which is basic and polar, at codon 168 of the MCM4 protein (p.Arg168Lys). This variant is present in population databases (rs781153302, gnomAD 0.0009%). This variant has not been reported in the literature in individuals affected with MCM4-related conditions. Algorithms developed to predict the effect of missense changes on protein structure and function output the following: SIFT: "Not Available"; PolyPhen-2: "Benign"; Align-GVGD: "Not Available". The lysine amino acid residue is found in multiple mammalian species, which suggests that this missense change does not adversely affect protein function. In summary, the available evidence is currently insufficient to determine the role of this variant in disease. Therefore, it has been classified as a Variant of Uncertain Significance.